The following is an entry in ClinVar:

ClinVar aggregate classification (germline): Likely pathogenic. Review status: criteria provided, multiple submitters, no conflicts (2 of 4 stars). 3 submissions from 3 submitters: Likely pathogenic (3). Last evaluated 2025-01-30.

Conditions:
Cardiovascular phenotype. Identifiers: MedGen CN230736.
Hereditary cancer-predisposing syndrome. Also called: Tumor predisposition; Hereditary Cancer Syndrome; Neoplastic Syndromes, Hereditary; Hereditary neoplastic syndrome. Identifiers: Orphanet 140162, MedGen C0027672, MeSH D009386, MONDO:0015356.
Noonan syndrome 2 (NS2). Identifiers: Orphanet 648, MedGen C1854469, MONDO:0011531, OMIM 605275.

Submissions (3):

Labcorp Genetics (formerly Invitae), Labcorp
Classification: Likely pathogenic. Last evaluated: 2025-01-30. Review status: criteria provided, single submitter. Criteria: Invitae Variant Classification Sherloc (09022015). Collection method: clinical testing. Allele origin: germline.
Comment: This sequence change affects a donor splice site in intron 1 of the LZTR1 gene. It is expected to disrupt RNA splicing. Variants that disrupt the donor or acceptor splice site typically lead to a loss of protein function (PMID: 16199547), and loss-of-function variants in LZTR1 are known to be pathogenic (PMID: 24362817, 25335493, 25480913, 25795793, 29469822, 30368668, 30442762, 30442766, 30481304, 30859559). This variant is not present in population databases (gnomAD no frequency). This variant has not been reported in the literature in individuals affected with LZTR1-related conditions. ClinVar contains an entry for this variant (Variation ID: 2413554). Algorithms developed to predict the effect of sequence changes on RNA splicing suggest that this variant may disrupt the consensus splice site. In summary, the currently available evidence indicates that the variant is pathogenic, but additional data are needed to prove that conclusively. Therefore, this variant has been classified as Likely Pathogenic.

Ambry Genetics
Classification: Likely pathogenic for Cardiovascular phenotype; Hereditary cancer-predisposing syndrome. Last evaluated: 2024-03-04. Review status: criteria provided, single submitter. Criteria: Ambry Variant Classification Scheme 2023. Collection method: clinical testing. Allele origin: germline.
Comment: The c.200+1G>T intronic variant results from a G to T substitution one nucleotide after coding exon 1 of the LZTR1 gene. This nucleotide position is highly conserved in available vertebrate species. In silico splice site analysis predicts that this alteration will weaken the native splice donor site and will result in the creation or strengthening of a novel splice donor site, and RNA studies have demonstrated that this alteration results in abnormal splicing in the set of samples tested (Ambry internal data). Alterations that disrupt the canonical splice site are expected to cause aberrant splicing, resulting in an abnormal protein or a transcript that is subject to nonsense-mediated mRNA decay. Loss-of-function variants in LZTR1 are related to an increased risk for schwannomas and autosomal recessive Noonan syndrome; however, such associations with autosomal dominant Noonan syndrome have not been observed (Piotrowski A et al. Nat Genet. 2014 Feb;46:182-7; Yamamoto GL et al. J Med Genet. 2015 Jun;52:413-21; Johnston JJ et al. Genet Med. 2018 10;20:1175-1185). Based on the supporting evidence, this variant is likely pathogenic for an increased risk of LZTR1-related schwannomatosis (SWN) and would be expected to cause autosomal recessive Noonan syndrome when present along with a second pathogenic or likely pathogenic variant on the other allele; however, the association of this alteration with autosomal dominant Noonan syndrome is unlikely.

Juno Genomics, Hangzhou Juno Genomics, Inc
Classification: Likely pathogenic for Noonan syndrome 2. Review status: criteria provided, single submitter. Criteria: ACMG Guidelines, 2015. Collection method: clinical testing. Allele origin: germline. Affected: yes.
Comment: Absent from controls (or at extremely low frequency if recessive) in Genome Aggregation Database, Exome Sequencing Project, 1000 Genomes Project, or Exome Aggregation Consortium.;Null variant in a gene where loss of function (LOF) is a known mechanism of disease.

Literature cited by the submitters: PubMed 16199547 (cited by Labcorp Genetics (formerly Invitae), Labcorp); PubMed 24362817 (cited by Labcorp Genetics (formerly Invitae), Labcorp); PubMed 25335493 (cited by Labcorp Genetics (formerly Invitae), Labcorp); PubMed 25480913 (cited by Labcorp Genetics (formerly Invitae), Labcorp); PubMed 25795793 (cited by Labcorp Genetics (formerly Invitae), Labcorp); PubMed 29469822 (cited by Labcorp Genetics (formerly Invitae), Labcorp); PubMed 30368668 (cited by Labcorp Genetics (formerly Invitae), Labcorp); PubMed 30442762 (cited by Labcorp Genetics (formerly Invitae), Labcorp); PubMed 30442766 (cited by Labcorp Genetics (formerly Invitae), Labcorp); PubMed 30481304 (cited by Labcorp Genetics (formerly Invitae), Labcorp); PubMed 30859559 (cited by Labcorp Genetics (formerly Invitae), Labcorp).

NM_006767.4(LZTR1):c.200+1G>T

Gene: LZTR1 (leucine zipper like post translational regulator 1; plus strand). Cytogenetic location: 22q11.21.
Variant type: single nucleotide variant.
Coding change: c.200+1G>T on transcript NM_006767.4 (MANE Select); the canonical splice donor site of the intron after coding-DNA position 200, G replaced by T.
Molecular consequence: splice donor variant.
Genome position (GRCh38, 1-based): chr22:20,982,572, G>T. VCF-style: chr22-20982572-G-T. GRCh37 (hg19) VCF-style: chr22-21336861-G-T.
Identifiers: ClinVar variation 2413554 (VCV002413554.11), dbSNP rs1216738448, ClinGen allele CA410778204.
Genomic context (GRCh38, chr22:20,982,572, plus strand): 5'-CTTCGAAACAGTGCATCGCTGGCGGCGCCTCCCGCCCTGCGACGAGTTCGTGGGTGCCCG[G>T]TACGGTGGGCTTCATGGGGTCCTGAGGACAGGAAGGGCGATCTGCGAGGGTCCCAGGGCG-3'